The following is an entry in ClinVar:

ClinVar aggregate classification (germline): Uncertain significance (1 of 4 stars; one submission).

Conditions:
Cardiomyopathy (CMYO). Also called: Cardiomyopathies. Identifiers: Orphanet 167848, MedGen C0878544, MONDO:0004994, HP:0001638. Inheritance: Various modes of inheritance.

Allele frequency attached by ClinVar (database versions not stated): gnomAD exomes 0.00001.
gnomAD v4.1: 4 of 1,614,004 alleles (0.00025%); highest among the groups gnomAD compares: Middle Eastern, 0.049%; 1 homozygote.

Submission:

Color Diagnostics, LLC DBA Color Health
Classification: Uncertain significance for Cardiomyopathy. Last evaluated: 2023-12-05. Review status: criteria provided, single submitter. Criteria: ACMG Guidelines, 2015. Collection method: clinical testing. Allele origin: germline.
Comment: This missense variant replaces proline with serine at codon 473 of the DSC2 protein. Computational prediction tools and conservation analyses suggest that this variant may have deleterious impact on protein function. Computational splicing tools suggest that this variant may not impact RNA splicing. To our knowledge, functional assays have not been performed for this variant nor has this variant been reported in individuals affected with cardiovascular disorders in the literature. This variant has not been identified in the general population by the Genome Aggregation Database (gnomAD). Available evidence is insufficient to determine the role of this variant in disease conclusively. Therefore, this variant is classified as a Variant of Uncertain Significance.

NM_024422.6(DSC2):c.1417C>T (p.Pro473Ser)

Gene: DSC2 (desmocollin 2; minus strand). Cytogenetic location: 18q12.1.
Variant type: single nucleotide variant.
Coding change: c.1417C>T on transcript NM_024422.6 (MANE Select); coding-DNA position 1417, C replaced by T.
Protein change: p.Pro473Ser; replaces proline 473 with serine.
Molecular consequence: missense variant.
Genome position (GRCh38, 1-based): chr18:31,080,199, G>A on the plus strand (C>T on the coding strand, the complement: DSC2 is on the minus strand). VCF-style: chr18-31080199-G-A. GRCh37 (hg19) VCF-style: chr18-28660165-G-A.
Other names: c.1417C>T, p.Pro473Ser (NM_004949.5); short protein forms P473S.
Identifiers: ClinVar variation 919703 (VCV000919703.5), dbSNP rs865914095, ClinGen allele CA297637000.